The following is an entry in ClinVar:

NM_001349241.2(PDE4D):c.-2C>A

Gene: PDE4D (phosphodiesterase 4D; minus strand). Cytogenetic location: 5q12.1.
Variant type: single nucleotide variant.
Coding change: c.-2C>A on transcript NM_001349241.2; 2 bases upstream of the start codon, C replaced by A.
Molecular consequence: 5 prime UTR variant. On other transcripts: intron variant (3).
Genome position (GRCh38, 1-based): chr5:60,004,287, G>T on the plus strand (C>A on the coding strand, the complement: PDE4D is on the minus strand). VCF-style: chr5-60004287-G-T. GRCh37 (hg19) VCF-style: chr5-59300114-G-T.
Other names: c.-483C>A (NM_001349243.2); c.43-15570C>A (NM_001364599.1, NM_001165899.2, NM_001364600.2).
Identifiers: ClinVar variation 3049398 (VCV003049398.2), dbSNP rs1764274909, ClinGen allele CA1549583806.

ClinVar aggregate classification (germline): Likely benign (0 of 4 stars; one submission).

Conditions:
PDE4D-related disorder. Also called: PDE4D-related condition.

Allele frequency attached by ClinVar (database versions not stated): TOPMed 0.00001.

Submission:

PreventionGenetics, part of Exact Sciences
Classification: Likely benign for PDE4D-related condition. Last evaluated: 2023-12-21. Review status: no assertion criteria provided. Collection method: clinical testing. Allele origin: germline.
Comment: This variant is classified as likely benign based on ACMG/AMP sequence variant interpretation guidelines (Richards et al. 2015 PMID: 25741868, with internal and published modifications).